The following is an entry in ClinVar:

ClinVar aggregate classification (germline): Likely pathogenic (1 of 4 stars; one submission).

Conditions:
Hereditary factor IX deficiency disease (HEMB). Also called: F9 DEFICIENCY; FACTOR IX DEFICIENCY; Hemophilia B; PLASMA THROMBOPLASTIN COMPONENT DEFICIENCY; Christmas Disease. Identifiers: Orphanet 98879, MedGen C0008533, MeSH D002836, MONDO:0010604, OMIM 306900.
Thrombophilia, X-linked, due to factor 9 defect. Identifiers: MedGen C2749016, MONDO:0010432, OMIM 300807.

Allele frequency attached by ClinVar (database versions not stated): gnomAD exomes below 0.00001 and 0.00001; gnomAD 0.00001.
gnomAD v4.1: 6 of 1,209,144 alleles (0.0005%); highest among the groups gnomAD compares: African/African-American, 0.007%; no homozygotes.

Submission:

Labcorp Genetics (formerly Invitae), Labcorp
Classification: Likely pathogenic for Thrombophilia, X-linked, due to factor 9 defect; Hereditary factor IX deficiency disease. Last evaluated: 2024-02-18. Review status: criteria provided, single submitter. Criteria: Invitae Variant Classification Sherloc (09022015). Collection method: clinical testing. Allele origin: germline.
Comment: This sequence change replaces glycine, which is neutral and non-polar, with alanine, which is neutral and non-polar, at codon 50 of the F9 protein (p.Gly50Ala). This variant is present in population databases (no rsID available, gnomAD 0.005%). This variant has not been reported in the literature in individuals affected with F9-related conditions. ClinVar contains an entry for this variant (Variation ID: 1524877). Advanced modeling of protein sequence and biophysical properties (such as structural, functional, and spatial information, amino acid conservation, physicochemical variation, residue mobility, and thermodynamic stability) performed at Invitae indicates that this missense variant is expected to disrupt F9 protein function with a positive predictive value of 95%. This variant disrupts the p.Gly50 amino acid residue in F9. Other variant(s) that disrupt this residue have been determined to be pathogenic (PMID: 8091381, 8594556, 19699296, 27213901; Invitae). This suggests that this residue is clinically significant, and that variants that disrupt this residue are likely to be disease-causing. In summary, the currently available evidence indicates that the variant is pathogenic, but additional data are needed to prove that conclusively. Therefore, this variant has been classified as Likely Pathogenic.

Literature cited by the submitters: PubMed 8091381; PubMed 8594556; PubMed 19699296; PubMed 27213901.

NM_000133.4(F9):c.149G>C (p.Gly50Ala)

Gene: F9 (coagulation factor IX; plus strand). Cytogenetic location: Xq27.1.
Variant type: single nucleotide variant.
Coding change: c.149G>C on transcript NM_000133.4 (MANE Select); coding-DNA position 149, G replaced by C.
Protein change: p.Gly50Ala; replaces glycine 50 with alanine.
Molecular consequence: missense variant.
Genome position (GRCh38, 1-based): chrX:139,537,070, G>C. VCF-style: chrX-139537070-G-C. GRCh37 (hg19) VCF-style: chrX-138619229-G-C.
Other names: c.149G>C, p.Gly50Ala (NM_001313913.2); short protein forms G50A.
Identifiers: ClinVar variation 1524877 (VCV001524877.8), dbSNP rs1229048705, ClinGen allele CA414435680.